The following is an entry in ClinVar:

ClinVar aggregate classification (germline): Conflicting classifications of pathogenicity. Review status: criteria provided, conflicting classifications (1 of 4 stars). 4 submissions from 4 submitters: Uncertain significance (3); Likely benign (1). Last evaluated 2025-06-27.

Conditions:
RASopathy. Also called: Noonan spectrum disorder; rasopathies. Identifiers: Orphanet 536391, MedGen C5555857, MONDO:0021060.
CBL-related disorder. Also called: CBL MUTATION-ASSOCIATED SYNDROME; CBL SYNDROME; NOONAN SYNDROME-LIKE DISORDER WITHOUT JUVENILE MYELOMONOCYTIC LEUKEMIA. Identifiers: Orphanet 363972, MedGen C3150803, MONDO:0013308, OMIM 613563.

Submissions (4):

PreventionGenetics, part of Exact Sciences
Classification: Uncertain significance for CBL-related condition. Last evaluated: 2025-06-27. Review status: criteria provided, single submitter. Criteria: ACMG Guidelines, 2015. Collection method: clinical testing. Allele origin: germline.
Comment: The CBL c.1380_1382delTGA variant is predicted to result in an in-frame deletion (p.Asp460del). This variant has been reported with uncertain significance in a study of individuals with unexplained cardiac arrest (Table S5, Grondin et al. 2022. PubMed ID: 35352813). This variant is reported in 0.0078% of alleles in individuals of European (Non-Finnish) descent in gnomAD. At this time, the clinical significance of this variant is uncertain due to the absence of conclusive functional and genetic evidence.

Labcorp Genetics (formerly Invitae), Labcorp
Classification: Uncertain significance for RASopathy. Last evaluated: 2025-06-19. Review status: criteria provided, single submitter. Criteria: Invitae Variant Classification Sherloc (09022015). Collection method: clinical testing. Allele origin: germline.
Comment: This variant, c.1380_1382del, results in the deletion of 1 amino acid(s) of the CBL protein (p.Asp460del), but otherwise preserves the integrity of the reading frame. The frequency data for this variant in the population databases is considered unreliable, as metrics indicate poor data quality at this position in the gnomAD database. This variant has been observed in individual(s) with unexplained cardiac arrest (PMID: 35352813). This variant is also known as c.1364_1366del:p.455_456del. Experimental studies and prediction algorithms are not available or were not evaluated, and the functional significance of this variant is currently unknown. In summary, the available evidence is currently insufficient to determine the role of this variant in disease. Therefore, it has been classified as a Variant of Uncertain Significance.

Blueprint Genetics
Classification: Likely benign. Last evaluated: 2024-11-19. Review status: criteria provided, single submitter. Criteria: ACMG Guidelines, 2015. Collection method: clinical testing. Allele origin: germline.

Centre for Mendelian Genomics, University Medical Centre Ljubljana
Classification: Uncertain significance for CBL-related disorder. Last evaluated: 2019-05-16. Review status: criteria provided, single submitter. Criteria: ACMG Guidelines, 2015. Collection method: clinical testing. Allele origin: unknown. Affected: yes.
Comment: This variant was classified as: Uncertain significance. The available evidence on this variant's pathogenicity is insufficient or conflicting. The following ACMG criteria were applied in classifying this variant: BP3.

Literature cited by the submitters: PubMed 35352813 (cited by Labcorp Genetics (formerly Invitae), Labcorp).

NM_005188.4(CBL):c.1365TGA[5] (p.Asp460del)

Gene: CBL (Cbl proto-oncogene; plus strand). Cytogenetic location: 11q23.3.
Variant type: Microsatellite.
Coding change: c.1365TGA[5] on transcript NM_005188.4 (MANE Select); five copies in a row of the 3-base unit TGA starting at c.1365; the reference has six copies in a row; one copy, 3 bases deleted.
Protein change: p.Asp460del; deletes aspartic acid 460.
Molecular consequence: inframe deletion.
Genome position (GRCh38, 1-based): chr11:119,278,662-119,278,664, TGA deleted; deleting any 3 consecutive bases within chr11:119,278,646-119,278,664 gives the same sequence; the position shown is the placement nearest the transcript's 3' end. VCF-style (leftmost placement, unchanged base first): chr11-119278645-TATG-T. GRCh37 (hg19) VCF-style: chr11-119149355-TATG-T.
Other names: c.1380_1382delTGA (NM_005188.3); short protein forms D460del.
Identifiers: ClinVar variation 570415 (VCV000570415.13), dbSNP rs397507494, ClinGen allele CA6318504.